The following is an entry in ClinVar:

NM_032043.3(BRIP1):c.2146A>G (p.Asn716Asp)

Gene: BRIP1 (BRCA1 interacting DNA helicase 1; minus strand). Cytogenetic location: 17q23.2.
Variant type: single nucleotide variant.
Coding change: c.2146A>G on transcript NM_032043.3 (MANE Select); coding-DNA position 2146, A replaced by G.
Protein change: p.Asn716Asp; replaces asparagine 716 with aspartic acid.
Molecular consequence: missense variant.
Genome position (GRCh38, 1-based): chr17:61,744,543, T>C on the plus strand (A>G on the coding strand, the complement: BRIP1 is on the minus strand). VCF-style: chr17-61744543-T-C. GRCh37 (hg19) VCF-style: chr17-59821904-T-C.
Other names: short protein forms N716D.
Identifiers: ClinVar variation 407817 (VCV000407817.25), dbSNP rs1060501745, ClinGen allele CA16615506.
Genomic context (GRCh38, chr17:61,744,543, plus strand): 5'-CAAAATTTGTTTTTTCTCCTCCCTGTGGTTCTACAATGACTGTCTTCACCAACTCCAGAT[T>C]ATGCCATAAACCAGTAGAGAGCCAACGTTCTTTTAATTTTTCTAATAACTAAAGAGGGGA-3'
Protein context (NP_114432.2, residues 706-726): ERWLSTGLWH[Asn716Asp]LELVKTVIVE

ClinVar aggregate classification (germline): Uncertain significance. Review status: criteria provided, multiple submitters, no conflicts (2 of 4 stars). 4 submissions from 4 submitters: Uncertain significance (4). Last evaluated 2025-11-25.
ClinVar aggregate classification (oncogenicity): Uncertain significance (1 of 4 stars; one submission).

Conditions:
Hereditary cancer-predisposing syndrome. Also called: Hereditary neoplastic syndrome; Neoplastic Syndromes, Hereditary; Tumor predisposition; Hereditary Cancer Syndrome. Identifiers: Orphanet 140162, MedGen C0027672, MeSH D009386, MONDO:0015356.
Familial cancer of breast. Also called: Hereditary breast cancer; hereditary breast carcinoma; BREAST CANCER, FAMILIAL. Identifiers: Orphanet 227535, MedGen C0346153, MONDO:0016419, OMIM 114480. Disease mechanism: loss of function.
Fanconi anemia complementation group J. Also called: BRIP1-Related Fanconi Anemia. Identifiers: Orphanet 84, MedGen C1836860, MONDO:0012187, OMIM 609054.
Neoplasm. Also called: tumor; Neoplasms; Neoplasm (disease). Identifiers: MedGen C0027651, MeSH D009369, MONDO:0005070, HP:0002664.

Submissions (5):

Color Diagnostics, LLC DBA Color Health
Classification: Uncertain significance for Hereditary cancer-predisposing syndrome. Last evaluated: 2025-11-25. Review status: criteria provided, single submitter. Criteria: ACMG Guidelines, 2015. Collection method: clinical testing. Allele origin: germline.
Comment: This missense variant replaces asparagine with aspartic acid at codon 716 of the BRIP1 protein. Computational prediction suggests that this variant may not impact protein structure and function. To our knowledge, functional studies have not been reported for this variant. This variant has not been reported in individuals affected with hereditary cancer in the literature. This variant has not been identified in the general population by the Genome Aggregation Database (gnomAD). The available evidence is insufficient to determine the role of this variant in disease conclusively. Therefore, this variant is classified as a Variant of Uncertain Significance.

Labcorp Genetics (formerly Invitae), Labcorp
Classification: Uncertain significance for Familial cancer of breast; Fanconi anemia complementation group J. Last evaluated: 2025-06-02. Review status: criteria provided, single submitter. Criteria: Invitae Variant Classification Sherloc (09022015). Collection method: clinical testing. Allele origin: germline.
Comment: This sequence change replaces asparagine, which is neutral and polar, with aspartic acid, which is acidic and polar, at codon 716 of the BRIP1 protein (p.Asn716Asp). This variant is not present in population databases (gnomAD no frequency). This variant has not been reported in the literature in individuals affected with BRIP1-related conditions. ClinVar contains an entry for this variant (Variation ID: 407817). Invitae Evidence Modeling of protein sequence and biophysical properties (such as structural, functional, and spatial information, amino acid conservation, physicochemical variation, residue mobility, and thermodynamic stability) indicates that this missense variant is not expected to disrupt BRIP1 protein function with a negative predictive value of 95%. In summary, the available evidence is currently insufficient to determine the role of this variant in disease. Therefore, it has been classified as a Variant of Uncertain Significance.

Center for Genomic Medicine, Rigshospitalet, Copenhagen University Hospital
Classification: Uncertain significance for Neoplasm. Last evaluated: 2025-03-04. Review status: criteria provided, single submitter. Criteria: ClinGen/CGC/VICC Guidelines for Oncogenicity, 2022. Collection method: clinical testing. Allele origin: somatic. Affected: yes.

Ambry Genetics
Classification: Uncertain significance for Hereditary cancer-predisposing syndrome. Last evaluated: 2023-08-26. Review status: criteria provided, single submitter. Criteria: Ambry Variant Classification Scheme 2023. Collection method: clinical testing. Allele origin: germline.
Comment: The p.N716D variant (also known as c.2146A>G), located in coding exon 14 of the BRIP1 gene, results from an A to G substitution at nucleotide position 2146. The asparagine at codon 716 is replaced by aspartic acid, an amino acid with highly similar properties. This amino acid position is not well conserved in available vertebrate species. In addition, this alteration is predicted to be tolerated by in silico analysis. Since supporting evidence is limited at this time, the clinical significance of this alteration remains unclear.

Women's Health and Genetics/Laboratory Corporation of America, LabCorp
Classification: Uncertain significance. Last evaluated: 2019-03-26. Review status: criteria provided, single submitter. Criteria: LabCorp Variant Classification Summary - May 2015. Collection method: clinical testing. Allele origin: germline.
Comment: Variant summary: BRIP1 c.2146A>G (p.Asn716Asp) results in a conservative amino acid change located in the ATP-dependent helicase, C-terminal of the encoded protein sequence. Five of five in-silico tools predict a benign effect of the variant on protein function. The variant was absent in 245990 control chromosomes. The available data on variant occurrences in the general population are insufficient to allow any conclusion about variant significance. To our knowledge, no occurrence of c.2146A>G in individuals affected with Hereditary Breast and Ovarian Cancer and no experimental evidence demonstrating its impact on protein function have been reported. Two clinical diagnostic laboratories have submitted clinical-significance assessments for this variant to ClinVar after 2014 without evidence for independent evaluation. All laboratories classified the variant as uncertain significance. Based on the evidence outlined above, the variant was classified as uncertain significance.